The following is an entry in ClinVar:

ClinVar aggregate classification (germline): Uncertain significance (1 of 4 stars; one submission).

Submission:

Labcorp Genetics (formerly Invitae), Labcorp
Classification: Uncertain significance. Last evaluated: 2022-07-13. Review status: criteria provided, single submitter. Criteria: Invitae Variant Classification Sherloc (09022015). Collection method: clinical testing. Allele origin: germline.
Comment: This sequence change replaces glutamic acid, which is acidic and polar, with glycine, which is neutral and non-polar, at codon 329 of the LARS2 protein (p.Glu329Gly). This variant is not present in population databases (gnomAD no frequency). In summary, the available evidence is currently insufficient to determine the role of this variant in disease. Therefore, it has been classified as a Variant of Uncertain Significance. Algorithms developed to predict the effect of missense changes on protein structure and function (SIFT, PolyPhen-2, Align-GVGD) all suggest that this variant is likely to be tolerated. This variant has not been reported in the literature in individuals affected with LARS2-related conditions.

NM_015340.4(LARS2):c.986A>G (p.Glu329Gly)

Gene: LARS2 (leucyl-tRNA synthetase 2, mitochondrial; plus strand). Cytogenetic location: 3p21.31.
Variant type: single nucleotide variant.
Coding change: c.986A>G on transcript NM_015340.4 (MANE Select); coding-DNA position 986, A replaced by G.
Protein change: p.Glu329Gly; replaces glutamic acid 329 with glycine.
Molecular consequence: missense variant.
Genome position (GRCh38, 1-based): chr3:45,476,595, A>G. VCF-style: chr3-45476595-A-G. GRCh37 (hg19) VCF-style: chr3-45518087-A-G.
Other names: c.986A>G, p.Glu329Gly (NM_001368263.1); short protein forms E329G.
Identifiers: ClinVar variation 2007583 (VCV002007583.4), dbSNP rs2528975447, ClinGen allele CA352423932.